The following is an entry in ClinVar:

ClinVar aggregate classification (germline): Uncertain significance (1 of 4 stars; one submission).

gnomAD v4.1: 33 of 1,613,900 alleles (0.002%); highest among the groups gnomAD compares: Admixed American, 0.0083%; no homozygotes.

Submission:

Labcorp Genetics (formerly Invitae), Labcorp
Classification: Uncertain significance. Last evaluated: 2025-06-14. Review status: criteria provided, single submitter. Criteria: Invitae Variant Classification Sherloc (09022015). Collection method: clinical testing. Allele origin: germline.
Comment: This sequence change replaces serine, which is neutral and polar, with leucine, which is neutral and non-polar, at codon 424 of the CRAT protein (p.Ser424Leu). This variant is present in population databases (rs150028237, gnomAD 0.01%). This variant has not been reported in the literature in individuals affected with CRAT-related conditions. Invitae Evidence Modeling of protein sequence and biophysical properties (such as structural, functional, and spatial information, amino acid conservation, physicochemical variation, residue mobility, and thermodynamic stability) indicates that this missense variant is not expected to disrupt CRAT protein function with a negative predictive value of 80%. In summary, the available evidence is currently insufficient to determine the role of this variant in disease. Therefore, it has been classified as a Variant of Uncertain Significance.

NM_000755.5(CRAT):c.1271C>T (p.Ser424Leu)

Gene: CRAT (carnitine O-acetyltransferase; minus strand). Cytogenetic location: 9q34.11.
Variant type: single nucleotide variant.
Coding change: c.1271C>T on transcript NM_000755.5 (MANE Select); coding-DNA position 1271, C replaced by T.
Protein change: p.Ser424Leu; replaces serine 424 with leucine.
Molecular consequence: missense variant.
Genome position (GRCh38, 1-based): chr9:129,098,306, G>A on the plus strand (C>T on the coding strand, the complement: CRAT is on the minus strand). VCF-style: chr9-129098306-G-A. GRCh37 (hg19) VCF-style: chr9-131860585-G-A.
Other names: c.1208C>T, p.Ser403Leu (NM_001257363.3, NM_001346548.2, NM_004003.4); c.1274C>T, p.Ser425Leu (NM_001346546.2); c.1271C>T, p.Ser424Leu (NM_001346547.2); c.1151C>T, p.Ser384Leu (NM_001346549.2); short protein forms S424L, S384L, S403L, S425L.
Identifiers: ClinVar variation 4707589 (VCV004707589.1).